The following is an entry in ClinVar:

NM_001814.6(CTSC):c.1280A>C (p.Asn427Thr)

Gene: CTSC (cathepsin C; minus strand). Cytogenetic location: 11q14.2.
Variant type: single nucleotide variant.
Coding change: c.1280A>C on transcript NM_001814.6 (MANE Select); coding-DNA position 1280, A replaced by C.
Protein change: p.Asn427Thr; replaces asparagine 427 with threonine.
Molecular consequence: missense variant.
Genome position (GRCh38, 1-based): chr11:88,294,118, T>G on the plus strand (A>C on the coding strand, the complement: CTSC is on the minus strand). VCF-style: chr11-88294118-T-G. GRCh37 (hg19) VCF-style: chr11-88027286-T-G.
Other names: short protein forms N427T.
Identifiers: ClinVar variation 2577359 (VCV002577359.2), dbSNP rs1260896676, ClinGen allele CA382021481.
Genomic context (GRCh38, chr11:88,294,118, plus strand): 5'-TCATCAGTTCCTCTGCGGATCCGGAAGTAGCCATTCTCACCCCAGCCGGTGCCCCAGCTG[T>G]TTTTAACAATCCAGTAATCCATCCCAGAGGCTGAGTCAGTGCCATAGCCCACAAGCAGAA-3'
Protein context (NP_001805.4, residues 417-437): ASGMDYWIVK[Asn427Thr]SWGTGWGENG

ClinVar aggregate classification (germline): Likely pathogenic. Review status: criteria provided, multiple submitters, no conflicts (2 of 4 stars). 2 submissions from 2 submitters: Likely pathogenic (2). Last evaluated 2024-03-25.

Conditions:
Papillon-Lefèvre syndrome (PALS). Also called: KERATOSIS PALMOPLANTARIS WITH PERIODONTOPATHIA; Papillon-Lefevre Disease. Identifiers: Orphanet 678, MedGen C0030360, MONDO:0009490, OMIM 245000.
Periodontitis, aggressive. Identifiers: MedGen C0031106, MONDO:0980757.
Haim-Munk syndrome (HMS). Also called: COCHIN JEWISH DISORDER; KERATOSIS PALMOPLANTARIS WITH PERIODONTOPATHIA AND ONYCHOGRYPOSIS. Identifiers: Orphanet 2342, MedGen C1855627, MONDO:0009491, OMIM 245010.

Allele frequency attached by ClinVar (database versions not stated): TOPMed below 0.00001.
gnomAD v4.1: 14 of 1,613,898 alleles (0.00087%); highest among the groups gnomAD compares: Non-Finnish European, 0.0012%; no homozygotes.

Submissions (2):

Fulgent Genetics
Classification: Likely pathogenic for Periodontitis, aggressive 1; Papillon-Lefèvre syndrome; Haim-Munk syndrome. Last evaluated: 2024-03-25. Review status: criteria provided, single submitter. Criteria: ACMG Guidelines, 2015. Collection method: clinical testing. Allele origin: germline.

Women's Health and Genetics/Laboratory Corporation of America, LabCorp
Classification: Likely pathogenic for Papillon-Lefèvre syndrome. Last evaluated: 2023-07-25. Review status: criteria provided, single submitter. Criteria: LabCorp Variant Classification Summary - May 2015. Collection method: clinical testing. Allele origin: germline.
Comment: Variant summary: CTSC c.1280A>C (p.Asn427Thr) results in a non-conservative amino acid change located in the Peptidase C1A, papain C-terminal domain (IPR000668) of the encoded protein sequence. Five of five in-silico tools predict a damaging effect of the variant on protein function. The variant was absent in 251096 control chromosomes in gnomAD. c.1280A>C has been reported in trans along with another pathogenic variant c.415G>A/p.G139R in at-least one individual affected with Papillon-Lefevre syndrome (example: Seren_2018, Roberts_2016, Guessan_2019). At least one publication reports experimental evidence evaluating an impact on protein function. The most pronounced variant effect results in undetectable CTSC protease activities in neutrophils of the patient (Seren_2018). Impaired neutrophil extracellular trap (NET) and reduced neutrophil serine protease proteinase 3 have also been reported in blood samples of this patient (Seren_2018, Roberts_2016). The following publications have been ascertained in the context of this evaluation (PMID: 29925593, 26957212, NO_PMID). No submitters have cited clinical-significance assessments for this variant to ClinVar after 2014. Based on the evidence outlined above, the variant was classified as likely pathogenic.

Literature cited by the submitters: PubMed 26957212 (cited by Women's Health and Genetics/Laboratory Corporation of America, LabCorp); PubMed 29925593 (cited by Women's Health and Genetics/Laboratory Corporation of America, LabCorp).